The following is an entry in ClinVar:

NM_032793.5(MFSD2A):c.54del (p.Ser19fs)

Gene: MFSD2A (MFSD2 lysolipid transporter A, lysophospholipid; plus strand). Cytogenetic location: 1p34.2.
Variant type: Deletion.
Coding change: c.54del on transcript NM_032793.5 (MANE Select); coding-DNA position 54, one base deleted (C; older notation c.54delC).
Protein change: p.Ser19fs; shifts the reading frame from serine 19.
Molecular consequence: frameshift variant. On other transcripts: 5 prime UTR variant (2), non-coding transcript variant (1).
Genome position (GRCh38, 1-based): chr1:39,955,346, C deleted; the last of 2 consecutive C bases (chr1:39,955,345-39,955,346); deleting either gives the same sequence. VCF-style (leftmost placement, unchanged base first): chr1-39955344-AC-A. GRCh37 (hg19) VCF-style: chr1-40421016-AC-A.
Other names: c.54del, p.Ser19fs (NM_001136493.3, NM_001287809.2, NM_001349821.2 and 1 more transcripts); c.-155del (NM_001287808.2); c.-288del (NM_001349823.2); short protein forms S19fs.
Identifiers: ClinVar variation 2126538 (VCV002126538.4), dbSNP rs2522889594, ClinGen allele CA522400031.

ClinVar aggregate classification (germline): Uncertain significance (1 of 4 stars; one submission).

Submission:

Labcorp Genetics (formerly Invitae), Labcorp
Classification: Uncertain significance. Last evaluated: 2022-04-28. Review status: criteria provided, single submitter. Criteria: Invitae Variant Classification Sherloc (09022015). Collection method: clinical testing. Allele origin: germline.
Comment: In summary, the available evidence is currently insufficient to determine the role of this variant in disease. Therefore, it has been classified as a Variant of Uncertain Significance. This premature translational stop signal has been observed in individual(s) with clinical features of a MFSD2A-related condition (Invitae). This variant is not present in population databases (gnomAD no frequency). This sequence change creates a premature translational stop signal (p.Ser19Alafs*12) in the MFSD2A gene. It is expected to result in an absent or disrupted protein product. However, the current clinical and genetic evidence is not sufficient to establish whether loss-of-function variants in MFSD2A cause disease.